The following is an entry in ClinVar:

NM_001099922.3(ALG13):c.2754ACC[17] (p.Pro944_Pro945dup)

Gene: ALG13 (ALG13 UDP-N-acetylglucosaminyltransferase subunit; plus strand). Cytogenetic location: Xq23.
Variant type: Microsatellite.
Coding change: c.2754ACC[17] on transcript NM_001099922.3 (MANE Select); 17 copies in a row of the 3-base unit ACC starting at c.2754; the reference has 15 copies in a row; two copies, 6 bases duplicated; also written c.2793_2798dup.
Protein change: p.Pro944_Pro945dup.
Molecular consequence: inframe insertion. On other transcripts: intron variant (5).
Genome position (GRCh38, 1-based): chrX:111,744,765-111,744,770, ACCACC duplicated; duplicating any 6 consecutive bases within chrX:111,744,726-111,744,770 gives the same sequence; the position shown is the placement nearest the transcript's 3' end. VCF-style (leftmost placement, unchanged base first): chrX-111744725-T-TACCACC. GRCh37 (hg19) VCF-style: chrX-110987953-T-TACCACC.
Other names: c.2520ACC[17], p.Pro866_Pro867dup (NM_001257231.2); c.2383+7847ACC[17] (NM_001257237.2, NM_001257234.2, NM_001257230.2); c.2209+7847ACC[17] (NM_001324293.1); c.2695+7847ACC[17] (NM_001324292.2); c.2793_2798dup6 (NM_001099922.2); c.2793_2798dup (NM_001099922.2).
Identifiers: ClinVar variation 651903 (VCV000651903.16), dbSNP rs750710267, ClinGen allele CA644064901.

ClinVar aggregate classification (germline): Benign/Likely benign. Review status: criteria provided, multiple submitters, no conflicts (2 of 4 stars). 5 submissions from 5 submitters: Benign (2); Likely benign (2). 1 of the submissions does not count toward it. Last evaluated 2026-02-02.

Conditions:
ALG13-related disorder. Also called: ALG13-related condition.
Developmental and epileptic encephalopathy, 36 (DEE36). Also called: Congenital disorder of glycosylation, type Is; Epileptic encephalopathy, early infantile, 36; ALG13-CDG. Identifiers: Orphanet 324422, MedGen C4317295, MONDO:0010472, OMIM 300884.

Submissions (5):

Labcorp Genetics (formerly Invitae), Labcorp
Classification: Benign for Developmental and epileptic encephalopathy, 36. Last evaluated: 2026-02-02. Review status: criteria provided, single submitter. Criteria: Invitae Variant Classification Sherloc (09022015). Collection method: clinical testing. Allele origin: germline.

Blueprint Genetics
Classification: Likely benign. Last evaluated: 2024-10-18. Review status: criteria provided, single submitter. Criteria: ACMG Guidelines, 2015. Collection method: clinical testing. Allele origin: germline.

Genome-Nilou Lab
Classification: Benign for Developmental and epileptic encephalopathy, 36. Last evaluated: 2021-12-05. Review status: criteria provided, single submitter. Criteria: ACMG Guidelines, 2015. Collection method: clinical testing. Allele origin: germline. Affected: no.

Institute of Human Genetics, University of Leipzig Medical Center
Classification: Likely benign for Developmental and epileptic encephalopathy, 36. Last evaluated: 2019-01-01. Review status: criteria provided, single submitter. Criteria: ACMG Guidelines, 2015. Collection method: clinical testing. Allele origin: unknown. Affected: yes.

PreventionGenetics, part of Exact Sciences
Classification: Likely benign for ALG13-related condition. Last evaluated: 2020-08-10. Review status: no assertion criteria provided. Collection method: clinical testing. Allele origin: germline. Not counted in ClinVar's aggregate classification.
Comment: This variant is classified as likely benign based on ACMG/AMP sequence variant interpretation guidelines (Richards et al. 2015 PMID: 25741868, with internal and published modifications).